The following is an entry in ClinVar:

NM_000257.4(MYH7):c.5228A>G (p.Glu1743Gly)

Genes: MYH7 (myosin heavy chain 7; minus strand), LOC126861897 (BRD4-independent group 4 enhancer GRCh37_chr14:23884455-23885654; plus strand). Cytogenetic location: 14q11.2.
Variant type: single nucleotide variant.
Coding change: c.5228A>G on transcript NM_000257.4 (MANE Select); coding-DNA position 5228, A replaced by G.
Protein change: p.Glu1743Gly; replaces glutamic acid 1743 with glycine.
Molecular consequence: missense variant.
Genome position (GRCh38, 1-based): chr14:23,415,436, T>C on the plus strand (A>G on the coding strand, the complement: MYH7 is on the minus strand). VCF-style: chr14-23415436-T-C. GRCh37 (hg19) VCF-style: chr14-23884645-T-C.
Other names: c.5228A>G (NM_000257.2); short protein forms E1743G.
Identifiers: ClinVar variation 853307 (VCV000853307.14), dbSNP rs1892152784, ClinGen allele CA389036254.

ClinVar aggregate classification (germline): Uncertain significance. Review status: criteria provided, multiple submitters, no conflicts (2 of 4 stars). 4 submissions from 4 submitters: Uncertain significance (4). Last evaluated 2026-04-09.

Conditions:
Cardiovascular phenotype. Identifiers: MedGen CN230736.
Cardiomyopathy (CMYO). Also called: Cardiomyopathies. Identifiers: Orphanet 167848, MedGen C0878544, MONDO:0004994, HP:0001638. Inheritance: Various modes of inheritance.
Hypertrophic cardiomyopathy. Also called: HYPERTROPHIC MYOCARDIOPATHY. Identifiers: Orphanet 217569, MedGen C0007194, MeSH D002312, MONDO:0005045, HP:0001639.

Submissions (4):

GeneDx
Classification: Uncertain significance. Last evaluated: 2026-04-09. Review status: criteria provided, single submitter. Criteria: GeneDx Variant Classification Process June 2021. Collection method: clinical testing. Allele origin: germline.
Comment: Reported in two participants from the Penn Medicine BioBank; however, detailed clinical information was not provided (PMID: 34542152); Not observed at significant frequency in large population cohorts (gnomAD); In silico analysis supports that this missense variant has a deleterious effect on protein structure/function; This variant is associated with the following publications: (PMID: 34542152)

Labcorp Genetics (formerly Invitae), Labcorp
Classification: Uncertain significance for Hypertrophic cardiomyopathy. Last evaluated: 2025-12-14. Review status: criteria provided, single submitter. Criteria: Invitae Variant Classification Sherloc (09022015). Collection method: clinical testing. Allele origin: germline.
Comment: This sequence change replaces glutamic acid, which is acidic and polar, with glycine, which is neutral and non-polar, at codon 1743 of the MYH7 protein (p.Glu1743Gly). This variant is not present in population databases (gnomAD no frequency). This variant has not been reported in the literature in individuals affected with MYH7-related conditions. ClinVar contains an entry for this variant (Variation ID: 853307). Invitae Evidence Modeling of protein sequence and biophysical properties (such as structural, functional, and spatial information, amino acid conservation, physicochemical variation, residue mobility, and thermodynamic stability) indicates that this missense variant is expected to disrupt MYH7 protein function with a positive predictive value of 95%. In summary, the available evidence is currently insufficient to determine the role of this variant in disease. Therefore, it has been classified as a Variant of Uncertain Significance.

All of Us Research Program, National Institutes of Health
Classification: Uncertain significance for Cardiomyopathy. Last evaluated: 2023-12-01. Review status: criteria provided, single submitter. Criteria: ACMG Guidelines, 2015. Collection method: clinical testing. Allele origin: germline. Inheritance: Autosomal dominant inheritance. Observed: 1 variant allele, 1 heterozygote.
Comment: This study involves interpretation of variants in research participants for the purpose of population health screening. Participant phenotype was not available at the time of variant classification. Additional details can be found in publication PMID: 35346344, PMCID: PMC8962531

Ambry Genetics
Classification: Uncertain significance for Cardiovascular phenotype. Last evaluated: 2018-10-03. Review status: criteria provided, single submitter. Criteria: Ambry Variant Classification Scheme 2023. Collection method: clinical testing. Allele origin: germline.
Comment: The p.E1743G variant (also known as c.5228A>G), located in coding exon 34 of the MYH7 gene, results from an A to G substitution at nucleotide position 5228. The glutamic acid at codon 1743 is replaced by glycine, an amino acid with similar properties. This amino acid position is well conserved in available vertebrate species. In addition, the in silico prediction for this alteration is inconclusive. Since supporting evidence is limited at this time, the clinical significance of this alteration remains unclear.